The following is an entry in ClinVar:

ClinVar aggregate classification (germline): Likely benign (0 of 4 stars; one submission).

Conditions:
PKHD1L1-related disorder. Also called: PKHD1L1-related condition.

gnomAD v4.1: 1,236 of 1,611,474 alleles (0.077%); highest among the groups gnomAD compares: Non-Finnish European, 0.084%; 1 homozygote.

Submission:

PreventionGenetics, part of Exact Sciences
Classification: Likely benign for PKHD1L1-related condition. Last evaluated: 2024-08-27. Review status: no assertion criteria provided. Collection method: clinical testing. Allele origin: germline.
Comment: This variant is classified as likely benign based on ACMG/AMP sequence variant interpretation guidelines (Richards et al. 2015 PMID: 25741868, with internal and published modifications).

NM_177531.6(PKHD1L1):c.7204T>C (p.Trp2402Arg)

Gene: PKHD1L1 (PKHD1 like 1; plus strand). Cytogenetic location: 8q23.1.
Variant type: single nucleotide variant.
Coding change: c.7204T>C on transcript NM_177531.6 (MANE Select); coding-DNA position 7204, T replaced by C.
Protein change: p.Trp2402Arg; replaces tryptophan 2402 with arginine.
Molecular consequence: missense variant.
Genome position (GRCh38, 1-based): chr8:109,459,794, T>C. VCF-style: chr8-109459794-T-C. GRCh37 (hg19) VCF-style: chr8-110472023-T-C.
Other names: short protein forms W2402R.
Identifiers: ClinVar variation 3357952 (VCV003357952.1).